The following is an entry in ClinVar:

ClinVar aggregate classification (germline): Uncertain significance (1 of 4 stars; one submission).

Conditions:
Hereditary cancer-predisposing syndrome. Also called: Neoplastic Syndromes, Hereditary; Tumor predisposition; Hereditary neoplastic syndrome; Hereditary Cancer Syndrome. Identifiers: Orphanet 140162, MedGen C0027672, MeSH D009386, MONDO:0015356.

Submission:

Ambry Genetics
Classification: Uncertain significance for Hereditary cancer-predisposing syndrome. Last evaluated: 2024-05-24. Review status: criteria provided, single submitter. Criteria: Ambry Variant Classification Scheme 2023. Collection method: clinical testing. Allele origin: germline.
Comment: The p.R316T variant (also known as c.947G>C), located in coding exon 7 of the RAD50 gene, results from a G to C substitution at nucleotide position 947. The arginine at codon 316 is replaced by threonine, an amino acid with similar properties. This amino acid position is conserved. In addition, this alteration is predicted to be tolerated by in silico analysis. Based on the available evidence, the clinical significance of this variant remains unclear.

NM_005732.4(RAD50):c.947G>C (p.Arg316Thr)

Gene: RAD50 (RAD50 double strand break repair protein; plus strand). Cytogenetic location: 5q31.1.
Variant type: single nucleotide variant.
Coding change: c.947G>C on transcript NM_005732.4 (MANE Select); coding-DNA position 947, G replaced by C.
Protein change: p.Arg316Thr; replaces arginine 316 with threonine.
Molecular consequence: missense variant.
Genome position (GRCh38, 1-based): chr5:132,587,985, G>C. VCF-style: chr5-132587985-G-C. GRCh37 (hg19) VCF-style: chr5-131923677-G-C.
Other names: short protein forms R316T.
Identifiers: ClinVar variation 3312334 (VCV003312334.1).